The following is an entry in ClinVar:

ClinVar aggregate classification (germline): Conflicting classifications of pathogenicity. Review status: criteria provided, conflicting classifications (1 of 4 stars). 2 submissions from 2 submitters: Uncertain significance (1); Likely benign (1). Last evaluated 2023-03-23.

Conditions:
Hereditary cancer-predisposing syndrome. Also called: Neoplastic Syndromes, Hereditary; Tumor predisposition; Hereditary Cancer Syndrome; Hereditary neoplastic syndrome. Identifiers: Orphanet 140162, MedGen C0027672, MeSH D009386, MONDO:0015356.

Submissions (2):

University of Washington Department of Laboratory Medicine, University of Washington
Classification: Likely benign for Hereditary cancer-predisposing syndrome. Last evaluated: 2023-03-23. Review status: criteria provided, single submitter. Criteria: Dines et al. (Genet Med. 2020). Collection method: curation. Allele origin: germline.
Comment: Missense variant in a coldspot region where missense variants are very unlikely to be pathogenic (PMID:31911673).

BRCA2 exon 11 coldspot. Reclassification based on statistical prior probability.

Ambry Genetics
Classification: Uncertain significance for Hereditary cancer-predisposing syndrome. Last evaluated: 2015-09-27. Review status: criteria provided, single submitter. Criteria: Ambry Variant Classification Scheme 2023. Collection method: clinical testing. Allele origin: germline.
Comment: The p.L909I variant (also known as c.2725C>A), located in coding exon 10 of the BRCA2 gene, results from a C to A substitution at nucleotide position 2725. The leucine at codon 909 is replaced by isoleucine, an amino acid with highly similar properties. This variant was not reported in population based cohorts in the following databases: Database of Single Nucleotide Polymorphisms (dbSNP), NHLBI Exome Sequencing Project (ESP), and 1000 Genomes Project. In the ESP, this variant was not observed in 6502 samples (13004 alleles) with coverage at this position. To date, this alteration has been detected with an allele frequency of approximately 0.001% (greater than 150000 alleles tested) in our clinical cohort. This amino acid position is not well conserved in available vertebrate species. In addition, this alteration is predicted to be tolerated by in silico analysis. Since supporting evidence is limited at this time, the clinical significance of p.L909I remains unclear.

NM_000059.4(BRCA2):c.2725C>A (p.Leu909Ile)

Gene: BRCA2 (BRCA2 DNA repair associated; plus strand). Cytogenetic location: 13q13.1.
Variant type: single nucleotide variant.
Coding change: c.2725C>A on transcript NM_000059.4 (MANE Select); coding-DNA position 2725, C replaced by A.
Protein change: p.Leu909Ile; replaces leucine 909 with isoleucine.
Molecular consequence: missense variant.
Genome position (GRCh38, 1-based): chr13:32,337,080, C>A. VCF-style: chr13-32337080-C-A. GRCh37 (hg19) VCF-style: chr13-32911217-C-A.
Other names: short protein forms L909I.
Identifiers: ClinVar variation 234114 (VCV000234114.7), dbSNP rs876660858, ClinGen allele CA10579550.